The following is an entry in ClinVar:

ClinVar aggregate classification (germline): Uncertain significance (1 of 4 stars; one submission).

Conditions:
Hereditary cancer-predisposing syndrome. Also called: Neoplastic Syndromes, Hereditary; Tumor predisposition; Hereditary Cancer Syndrome; Hereditary neoplastic syndrome. Identifiers: Orphanet 140162, MedGen C0027672, MeSH D009386, MONDO:0015356.

Submission:

Ambry Genetics
Classification: Uncertain significance for Hereditary cancer-predisposing syndrome. Last evaluated: 2025-12-06. Review status: criteria provided, single submitter. Criteria: Ambry Variant Classification Scheme 2023. Collection method: clinical testing. Allele origin: germline.
Comment: The p.R444S variant (also known as c.1332G>T), located in coding exon 11 of the PMS2 gene, results from a G to T substitution at nucleotide position 1332. The arginine at codon 444 is replaced by serine, an amino acid with dissimilar properties. This amino acid position is conserved. In addition, this alteration is predicted to be tolerated by in silico analysis. Based on the available evidence, the clinical significance of this variant remains unclear.

NM_000535.7(PMS2):c.1332G>T (p.Arg444Ser)

Gene: PMS2 (PMS1 homolog 2, mismatch repair system component; minus strand). Cytogenetic location: 7p22.1.
Variant type: single nucleotide variant.
Coding change: c.1332G>T on transcript NM_000535.7 (MANE Select); coding-DNA position 1332, G replaced by T.
Protein change: p.Arg444Ser; replaces arginine 444 with serine.
Molecular consequence: missense variant. On other transcripts: non-coding transcript variant (1), intron variant (1).
Genome position (GRCh38, 1-based): chr7:5,987,433, C>A on the plus strand (G>T on the coding strand, the complement: PMS2 is on the minus strand). VCF-style: chr7-5987433-C-A. GRCh37 (hg19) VCF-style: chr7-6027064-C-A.
Other names: c.927G>T, p.Arg309Ser (NM_001322003.2, NM_001322004.2, NM_001322005.2 and 16 more transcripts); c.1176G>T, p.Arg392Ser (NM_001322006.2, NM_001406870.1); c.1014G>T, p.Arg338Ser (NM_001322007.2, NM_001322008.2, NM_001406876.1 and 2 more transcripts); c.771G>T, p.Arg257Ser (NM_001322010.2, NM_001406906.1, NM_001406907.1); c.399G>T, p.Arg133Ser (NM_001322011.2, NM_001322012.2); c.759G>T, p.Arg253Ser (NM_001322013.2, NM_001406909.1); c.1332G>T, p.Arg444Ser (NM_001322014.2, NM_001406871.1, NM_001406872.1); c.1023G>T, p.Arg341Ser (NM_001322015.2, NM_001406875.1, NM_001406877.1 and 5 more transcripts); and 13 more; short protein forms R257S, R378S, R253S, R273S, R289S, R322S, R338S, R286S.
Identifiers: ClinVar variation 4667766 (VCV004667766.1).